The following is an entry in ClinVar:

ClinVar aggregate classification (germline): Uncertain significance. Review status: criteria provided, multiple submitters, no conflicts (2 of 4 stars). 2 submissions from 2 submitters: Uncertain significance (2). Last evaluated 2026-08-01.

Conditions:
Developmental and epileptic encephalopathy, 5 (DEE5). Identifiers: Orphanet 3451, MedGen C3150731, MONDO:0013277, OMIM 613477.

gnomAD v4.1: 1 of 1,613,476 alleles (0.000062%); highest among the groups gnomAD compares: South Asian, 0.0011%; no homozygotes.

Submissions (2):

CeGaT Center for Human Genetics Tuebingen
Classification: Uncertain significance. Last evaluated: 2026-08-01. Review status: criteria provided, single submitter. Criteria: CeGaT Center For Human Genetics Tuebingen Variant Classification Criteria Version 2. Collection method: clinical testing. Allele origin: germline. Affected: yes. Observed: 1 variant allele.
Comment: SPTAN1: PM2, PP2, BP5

MVZ Medizinische Genetik Mainz
Classification: Uncertain significance for Developmental and epileptic encephalopathy, 5. Last evaluated: 2026-01-21. Review status: criteria provided, single submitter. Criteria: UK Practice Guidelines For Variant Classification V4 01 2020. Collection method: clinical testing. Allele origin: germline. Inheritance: Autosomal dominant inheritance. Affected: yes. Observed: 1 variant allele.
Comment: ACMG Criteria: PM1,PM2_SUP,PP2

NM_001130438.3(SPTAN1):c.6836A>C (p.Glu2279Ala)

Gene: SPTAN1 (spectrin alpha, non-erythrocytic 1; plus strand). Cytogenetic location: 9q34.11.
Variant type: single nucleotide variant.
Coding change: c.6836A>C on transcript NM_001130438.3 (MANE Select); coding-DNA position 6836, A replaced by C.
Protein change: p.Glu2279Ala; replaces glutamic acid 2279 with alanine.
Molecular consequence: missense variant.
Genome position (GRCh38, 1-based): chr9:128,632,200, A>C. VCF-style: chr9-128632200-A-C. GRCh37 (hg19) VCF-style: chr9-131394479-A-C.
Other names: c.6761A>C, p.Glu2254Ala (NM_001195532.2); c.6899A>C, p.Glu2300Ala (NM_001363759.2); c.6776A>C, p.Glu2259Ala (NM_001363765.2, NM_001375314.2); c.6923A>C, p.Glu2308Ala (NM_001375310.1); c.6836A>C, p.Glu2279Ala (NM_001375311.2); c.6872A>C, p.Glu2291Ala (NM_001375312.2, NM_001438440.1); c.6818A>C, p.Glu2273Ala (NM_001375313.1); c.6935A>C, p.Glu2312Ala (NM_001375318.1); and 6 more; short protein forms E2248A, E2253A, E2254A, E2259A, E2268A, E2273A, E2274A, E2275A.
Identifiers: ClinVar variation 4796766 (VCV004796766.2).